The following is an entry in ClinVar:

ClinVar aggregate classification (germline): Uncertain significance. Review status: criteria provided, multiple submitters, no conflicts (2 of 4 stars). 2 submissions from 2 submitters: Uncertain significance (2). Last evaluated 2025-04-09.

Submissions (2):

GeneDx
Classification: Uncertain significance. Last evaluated: 2025-04-09. Review status: criteria provided, single submitter. Criteria: GeneDx Variant Classification Process June 2021. Collection method: clinical testing. Allele origin: germline. Affected: yes.
Comment: Not observed at significant frequency in large population cohorts (gnomAD); In silico analysis supports that this missense variant has a deleterious effect on protein structure/function; Has not been previously published as pathogenic or benign to our knowledge

Blueprint Genetics
Classification: Uncertain significance. Last evaluated: 2022-10-10. Review status: criteria provided, single submitter. Criteria: ACMG Guidelines, 2015. Collection method: clinical testing. Allele origin: germline.

NM_006214.4(PHYH):c.525C>A (p.His175Gln)

Gene: PHYH (phytanoyl-CoA 2-hydroxylase; minus strand). Cytogenetic location: 10p13.
Variant type: single nucleotide variant.
Coding change: c.525C>A on transcript NM_006214.4 (MANE Select); coding-DNA position 525, C replaced by A.
Protein change: p.His175Gln; replaces histidine 175 with glutamine.
Molecular consequence: missense variant. On other transcripts: intron variant (1).
Genome position (GRCh38, 1-based): chr10:13,288,513, G>T on the plus strand (C>A on the coding strand, the complement: PHYH is on the minus strand). VCF-style: chr10-13288513-G-T. GRCh37 (hg19) VCF-style: chr10-13330513-G-T.
Other names: c.225C>A, p.His75Gln (NM_001037537.2, NM_001323080.2); c.531C>A, p.His177Gln (NM_001323082.2); c.231C>A, p.His77Gln (NM_001323084.2); c.415-4674C>A (NM_001323083.2); short protein forms H175Q, H177Q, H75Q, H77Q.
Identifiers: ClinVar variation 4281867 (VCV004281867.2).